The following is an entry in ClinVar:

NM_078470.6(COX15):c.90+27C>A

Genes: COX15 (cytochrome c oxidase assembly homolog COX15; minus strand), LOC130004506 (ATAC-STARR-seq lymphoblastoid active region 3872; plus strand). Cytogenetic location: 10q24.2.
Variant type: single nucleotide variant.
Coding change: c.90+27C>A on transcript NM_078470.6 (MANE Select); 27 bases into the intron after coding-DNA position 90, C replaced by A.
Molecular consequence: intron variant.
Genome position (GRCh38, 1-based): chr10:99,731,933, G>T on the plus strand (C>A on the coding strand, the complement: COX15 is on the minus strand). VCF-style: chr10-99731933-G-T. GRCh37 (hg19) VCF-style: chr10-101491690-G-T.
Other names: c.90+27C>A (NM_001320974.2, NM_001372026.1, NM_001372028.1 and 5 more transcripts); c.-365+27C>A (NM_001320976.2).
Identifiers: ClinVar variation 674567 (VCV000674567.2), dbSNP rs2231679, ClinGen allele CA5642371.

ClinVar aggregate classification (germline): Likely benign. Review status: criteria provided, multiple submitters, no conflicts (2 of 4 stars). 2 submissions from 2 submitters: Likely benign (2). Last evaluated 2018-06-14.

Allele frequency attached by ClinVar (database versions not stated): 1000 Genomes Project 30x 0.01062; gnomAD 0.01099 and 0.01020; ESP Exome Variant Server 0.01130; gnomAD exomes 0.00268; TOPMed 0.01168; 1000 Genomes Project 0.01178.
gnomAD v4.1: 3,286 of 1,594,938 alleles (0.21%); highest among the groups gnomAD compares: African/African-American, 3.5%; 53 homozygotes.

Submissions (2):

GeneDx
Classification: Likely benign. Last evaluated: 2018-06-14. Review status: criteria provided, single submitter. Criteria: GeneDx Variant Classification (06012015). Collection method: clinical testing. Allele origin: germline. Affected: yes.
Comment: This variant is considered likely benign or benign based on one or more of the following criteria: it is a conservative change, it occurs at a poorly conserved position in the protein, it is predicted to be benign by multiple in silico algorithms, and/or has population frequency not consistent with disease.

Breakthrough Genomics
Classification: Likely benign. Review status: criteria provided, single submitter. Criteria: ACMG Guidelines, 2015. Collection method: not provided. Allele origin: germline. Inheritance: Autosomal recessive inheritance. Affected: yes.